The following is an entry in ClinVar:

NM_007194.4(CHEK2):c.319+3987T>C

Gene: CHEK2 (checkpoint kinase 2; minus strand). Cytogenetic location: 22q12.1.
Variant type: single nucleotide variant.
Coding change: c.319+3987T>C on transcript NM_007194.4 (MANE Select); 3987 bases into the intron after coding-DNA position 319, T replaced by C.
Molecular consequence: intron variant.
Genome position (GRCh38, 1-based): chr22:28,730,416, A>G on the plus strand (T>C on the coding strand, the complement: CHEK2 is on the minus strand). VCF-style: chr22-28730416-A-G. GRCh37 (hg19) VCF-style: chr22-29126404-A-G.
Other names: c.-344-5049T>C (NM_001437942.1); c.319+3987T>C (NM_001349956.3, NM_145862.3); c.-459+3987T>C (NM_001257387.3); c.412+40T>C (NM_001438295.1, NM_001438293.1); c.448+4T>C (NM_001438294.1, NM_001005735.3).
Identifiers: ClinVar variation 3045259 (VCV003045259.2), dbSNP rs2518099483, ClinGen allele CA2655956567.

ClinVar aggregate classification (germline): Likely benign (0 of 4 stars; one submission).

Conditions:
CHEK2-related disorder.

Allele frequency attached by ClinVar (database versions not stated): gnomAD exomes below 0.00001.
gnomAD v4.1: 1 of 643,260 alleles (0.00016%); highest among the groups gnomAD compares: African/African-American, 0.0018%; no homozygotes.

Submission:

PreventionGenetics, part of Exact Sciences
Classification: Likely benign for CHEK2-related condition. Last evaluated: 2022-11-04. Review status: no assertion criteria provided. Collection method: clinical testing. Allele origin: germline.
Comment: This variant is classified as likely benign based on ACMG/AMP sequence variant interpretation guidelines (Richards et al. 2015 PMID: 25741868, with internal and published modifications).